The following is an entry in ClinVar:

ClinVar aggregate classification (germline): Uncertain significance (1 of 4 stars; one submission).

Conditions:
Hereditary cancer-predisposing syndrome. Also called: Neoplastic Syndromes, Hereditary; Tumor predisposition; Hereditary Cancer Syndrome; Hereditary neoplastic syndrome. Identifiers: Orphanet 140162, MedGen C0027672, MeSH D009386, MONDO:0015356.

Submission:

Ambry Genetics
Classification: Uncertain significance for Hereditary cancer-predisposing syndrome. Last evaluated: 2025-06-23. Review status: criteria provided, single submitter. Criteria: Ambry Variant Classification Scheme 2023. Collection method: clinical testing. Allele origin: germline.
Comment: The p.K945N variant (also known as c.2835G>C), located in coding exon 24 of the TSC2 gene, results from a G to C substitution at nucleotide position 2835. The lysine at codon 945 is replaced by asparagine, an amino acid with similar properties. This amino acid position is conserved. In addition, the in silico prediction for this alteration is inconclusive. Based on the available evidence, the clinical significance of this variant remains unclear.

NM_000548.5(TSC2):c.2835G>C (p.Lys945Asn)

Gene: TSC2 (TSC complex subunit 2; plus strand). Cytogenetic location: 16p13.3.
Variant type: single nucleotide variant.
Coding change: c.2835G>C on transcript NM_000548.5 (MANE Select); coding-DNA position 2835, G replaced by C.
Protein change: p.Lys945Asn; replaces lysine 945 with asparagine.
Molecular consequence: missense variant. On other transcripts: non-coding transcript variant (5).
Genome position (GRCh38, 1-based): chr16:2,076,583, G>C. VCF-style: chr16-2076583-G-C. GRCh37 (hg19) VCF-style: chr16-2126584-G-C.
Other names: c.2688G>C, p.Lys896Asn (NM_001406675.1, NM_001406676.1, NM_001406679.1 and 1 more transcripts); c.2778G>C, p.Lys926Asn (NM_001406677.1); c.2724G>C, p.Lys908Asn (NM_001406678.1, NM_001318827.2, NM_001406670.1); c.2235G>C, p.Lys745Asn (NM_001406680.1, NM_001406682.1, NM_001406683.1 and 6 more transcripts); c.2373G>C, p.Lys791Asn (NM_001406681.1); c.2835G>C, p.Lys945Asn (NM_001077183.3, NM_001114382.3, NM_001363528.2 and 6 more transcripts); c.2868G>C, p.Lys956Asn (NM_001318832.2); c.2925G>C, p.Lys975Asn (NM_001406667.1, NM_001406668.1); and 3 more; short protein forms K745N, K791N, K945N, K956N, K908N, K941N, K975N, K411N.
Identifiers: ClinVar variation 4192141 (VCV004192141.1).